The following is an entry in ClinVar:

NM_015346.4(ZFYVE26):c.7150G>A (p.Val2384Ile)

Gene: ZFYVE26 (zinc finger FYVE-type containing 26; minus strand). Cytogenetic location: 14q24.1.
Variant type: single nucleotide variant.
Coding change: c.7150G>A on transcript NM_015346.4 (MANE Select); coding-DNA position 7150, G replaced by A.
Protein change: p.Val2384Ile; replaces valine 2384 with isoleucine.
Molecular consequence: missense variant.
Genome position (GRCh38, 1-based): chr14:67,753,745, C>T on the plus strand (G>A on the coding strand, the complement: ZFYVE26 is on the minus strand). VCF-style: chr14-67753745-C-T. GRCh37 (hg19) VCF-style: chr14-68220462-C-T.
Other names: short protein forms V2384I.
Identifiers: ClinVar variation 220542 (VCV000220542.7), dbSNP rs193074768, ClinGen allele CA349674.

ClinVar aggregate classification (germline): Uncertain significance. Review status: criteria provided, multiple submitters, no conflicts (2 of 4 stars). 4 submissions from 4 submitters: Uncertain significance (4). Last evaluated 2024-10-10.

Conditions:
Inborn genetic diseases. Identifiers: MedGen C0950123, MeSH D030342.
Spastic paraplegia. Identifiers: MedGen C0037772, HP:0001258.

Allele frequency attached by ClinVar (database versions not stated): ExAC 0.00005; gnomAD exomes 0.00005 and 0.00010; 1000 Genomes Project 30x 0.00016; 1000 Genomes Project 0.00020; gnomAD 0.00024; TOPMed 0.00032.
gnomAD v4.1: 120 of 1,613,658 alleles (0.0074%); highest among the groups gnomAD compares: Middle Eastern, 0.12%; 2 homozygotes.

Submissions (4):

Blueprint Genetics
Classification: Uncertain significance. Last evaluated: 2024-10-10. Review status: criteria provided, single submitter. Criteria: ACMG Guidelines, 2015. Collection method: clinical testing. Allele origin: germline.

GeneDx
Classification: Uncertain significance. Last evaluated: 2024-05-08. Review status: criteria provided, single submitter. Criteria: GeneDx Variant Classification Process June 2021. Collection method: clinical testing. Allele origin: germline. Affected: yes.
Comment: In silico analysis indicates that this missense variant does not alter protein structure/function; Has not been previously published as pathogenic or benign to our knowledge

Labcorp Genetics (formerly Invitae), Labcorp
Classification: Uncertain significance for Spastic paraplegia. Last evaluated: 2022-07-17. Review status: criteria provided, single submitter. Criteria: Invitae Variant Classification Sherloc (09022015). Collection method: clinical testing. Allele origin: germline.
Comment: This sequence change replaces valine, which is neutral and non-polar, with isoleucine, which is neutral and non-polar, at codon 2384 of the ZFYVE26 protein (p.Val2384Ile). This variant is present in population databases (rs193074768, gnomAD 0.04%). This variant has not been reported in the literature in individuals affected with ZFYVE26-related conditions. ClinVar contains an entry for this variant (Variation ID: 220542). Algorithms developed to predict the effect of missense changes on protein structure and function (SIFT, PolyPhen-2, Align-GVGD) all suggest that this variant is likely to be tolerated. In summary, the available evidence is currently insufficient to determine the role of this variant in disease. Therefore, it has been classified as a Variant of Uncertain Significance.

Ambry Genetics
Classification: Uncertain significance for Inborn genetic diseases. Last evaluated: 2021-09-14. Review status: criteria provided, single submitter. Criteria: Ambry Variant Classification Scheme 2023. Collection method: clinical testing. Allele origin: germline.